The following is an entry in ClinVar:

ClinVar aggregate classification (germline): Conflicting classifications of pathogenicity. Review status: criteria provided, conflicting classifications (1 of 4 stars). 4 submissions from 4 submitters: Uncertain significance (2); Likely benign (1). 1 of the submissions does not count toward it. Last evaluated 2025-09-10.

Conditions:
D2HGDH-related disorder. Also called: D2HGDH-related condition.
D-2-hydroxyglutaric aciduria 1 (D2HGA1). Identifiers: Orphanet 79315, MedGen C3152055, MONDO:0024554, OMIM 600721.

Allele frequency attached by ClinVar (database versions not stated): gnomAD exomes 0.00007 and 0.00018; ExAC 0.00020; gnomAD 0.00064 and 0.00071; TOPMed 0.00064; ESP Exome Variant Server 0.00092; 1000 Genomes Project 30x 0.00094; 1000 Genomes Project 0.00100.
gnomAD v4.1: 204 of 1,612,354 alleles (0.013%); highest among the groups gnomAD compares: African/African-American, 0.23%; 1 homozygote.

Submissions (4):

Labcorp Genetics (formerly Invitae), Labcorp
Classification: Likely benign for D-2-hydroxyglutaric aciduria 1. Last evaluated: 2025-09-10. Review status: criteria provided, single submitter. Criteria: Invitae Variant Classification Sherloc (09022015). Collection method: clinical testing. Allele origin: germline.

New York Genome Center
Classification: Uncertain significance for D-2-hydroxyglutaric aciduria 1. Last evaluated: 2022-01-07. Review status: criteria provided, single submitter. Criteria: NYGC Assertion Criteria 2020. Collection method: clinical testing. Allele origin: germline. Observed: 1 heterozygote. Study: CSER-NYCKidSeq.

Genetic Services Laboratory, University of Chicago
Classification: Uncertain significance. Last evaluated: 2016-07-29. Review status: criteria provided, single submitter. Criteria: ACMG Guidelines, 2015. Collection method: clinical testing. Allele origin: germline. Affected: no.

PreventionGenetics, part of Exact Sciences
Classification: Likely benign for D2HGDH-related condition. Last evaluated: 2022-10-21. Review status: no assertion criteria provided. Collection method: clinical testing. Allele origin: germline. Not counted in ClinVar's aggregate classification.
Comment: This variant is classified as likely benign based on ACMG/AMP sequence variant interpretation guidelines (Richards et al. 2015 PMID: 25741868, with internal and published modifications).

NM_152783.5(D2HGDH):c.1387G>A (p.Glu463Lys)

Gene: D2HGDH (D-2-hydroxyglutarate dehydrogenase; plus strand). Cytogenetic location: 2q37.3.
Variant type: single nucleotide variant.
Coding change: c.1387G>A on transcript NM_152783.5 (MANE Select); coding-DNA position 1387, G replaced by A.
Protein change: p.Glu463Lys; replaces glutamic acid 463 with lysine.
Molecular consequence: missense variant. On other transcripts: non-coding transcript variant (1).
Genome position (GRCh38, 1-based): chr2:241,767,790, G>A. VCF-style: chr2-241767790-G-A. GRCh37 (hg19) VCF-style: chr2-242707205-G-A.
Other names: c.985G>A, p.Glu329Lys (NM_001287249.2); c.826G>A, p.Glu276Lys (NM_001352824.2); short protein forms E463K, E276K, E329K.
Identifiers: ClinVar variation 434892 (VCV000434892.19), dbSNP rs143460342, ClinGen allele CA2222220.
Genomic context (GRCh38, chr2:241,767,790, plus strand): 5'-AATGTGACGGCGGAGGCCTTCAGCCCCTCGCTCCTGGCTGCCCTGGAGCCCCACGTGTAC[G>A]AGTGGACGGCCGGGCAGCAGGGCAGCGTCAGCGCGGAGCACGGAGTGGGCTTCAGGAAGA-3'
Protein context (NP_689996.4, residues 453-473): LLAALEPHVY[Glu463Lys]WTAGQQGSVS